The following is an entry in ClinVar:

ClinVar aggregate classification (germline): Uncertain significance. Review status: criteria provided, multiple submitters, no conflicts (2 of 4 stars). 2 submissions from 2 submitters: Uncertain significance (2). Last evaluated 2025-01-15.

Allele frequency attached by ClinVar (database versions not stated): gnomAD 0.00001.
gnomAD v4.1: 17 of 1,597,260 alleles (0.0011%); highest among the groups gnomAD compares: Admixed American, 0.0035%; no homozygotes.

Submissions (2):

Labcorp Genetics (formerly Invitae), Labcorp
Classification: Uncertain significance. Last evaluated: 2025-01-15. Review status: criteria provided, single submitter. Criteria: Invitae Variant Classification Sherloc (09022015). Collection method: clinical testing. Allele origin: germline.
Comment: This sequence change replaces aspartic acid, which is acidic and polar, with asparagine, which is neutral and polar, at codon 225 of the FSCN2 protein (p.Asp225Asn). The frequency data for this variant in the population databases is considered unreliable, as metrics indicate poor data quality at this position in the gnomAD database. This variant has not been reported in the literature in individuals affected with FSCN2-related conditions. ClinVar contains an entry for this variant (Variation ID: 1403377). An algorithm developed to predict the effect of missense changes on protein structure and function (PolyPhen-2) suggests that this variant is likely to be tolerated. In summary, the available evidence is currently insufficient to determine the role of this variant in disease. Therefore, it has been classified as a Variant of Uncertain Significance.

Ambry Genetics
Classification: Uncertain significance. Last evaluated: 2023-09-13. Review status: criteria provided, single submitter. Criteria: Ambry Variant Classification Scheme 2023. Collection method: clinical testing. Allele origin: germline.

NM_012418.4(FSCN2):c.673G>A (p.Asp225Asn)

Gene: FSCN2 (fascin actin-bundling protein 2, retinal; plus strand). Cytogenetic location: 17q25.3.
Variant type: single nucleotide variant.
Coding change: c.673G>A on transcript NM_012418.4 (MANE Select); coding-DNA position 673, G replaced by A.
Protein change: p.Asp225Asn; replaces aspartic acid 225 with asparagine.
Molecular consequence: missense variant.
Genome position (GRCh38, 1-based): chr17:81,529,204, G>A. VCF-style: chr17-81529204-G-A. GRCh37 (hg19) VCF-style: chr17-79496230-G-A.
Other names: c.673G>A (NM_001077182.2); c.673G>A, p.Asp225Asn (NM_001077182.3); short protein forms D225N.
Identifiers: ClinVar variation 1403377 (VCV001403377.10), dbSNP rs782333124, ClinGen allele CA8836750.